The following is an entry in ClinVar:

ClinVar aggregate classification (germline): Uncertain significance. Review status: criteria provided, multiple submitters, no conflicts (2 of 4 stars). 2 submissions from 2 submitters: Uncertain significance (2). Last evaluated 2021-09-01.

Conditions:
Charcot-Marie-Tooth disease type 4. Also called: Charcot-Marie-Tooth disease, type IV; Charcot-Marie-Tooth, Type 4. Identifiers: Orphanet 64749, MedGen C4082197, MONDO:0018995.
Charcot-Marie-Tooth disease type 4F. Also called: Charcot-Marie-Tooth disease, demyelinating, type 4F. Identifiers: Orphanet 99952, MedGen C3540453, MONDO:0013959, OMIM 614895.

Allele frequency attached by ClinVar (database versions not stated): gnomAD exomes below 0.00001; TOPMed 0.00001.

Submissions (2):

Labcorp Genetics (formerly Invitae), Labcorp
Classification: Uncertain significance for Charcot-Marie-Tooth disease type 4. Last evaluated: 2021-09-01. Review status: criteria provided, single submitter. Criteria: Invitae Variant Classification Sherloc (09022015). Collection method: clinical testing. Allele origin: germline.
Comment: This sequence change replaces arginine with glutamine at codon 516 of the PRX protein (p.Arg516Gln). The arginine residue is weakly conserved and there is a small physicochemical difference between arginine and glutamine. This variant is not present in population databases (ExAC no frequency). This variant has not been reported in the literature in individuals affected with PRX-related conditions. Algorithms developed to predict the effect of missense changes on protein structure and function output the following: SIFT: "Deleterious"; PolyPhen-2: "Benign"; Align-GVGD: "Class C0". The glutamine amino acid residue is found in multiple mammalian species, which suggests that this missense change does not adversely affect protein function. In summary, the available evidence is currently insufficient to determine the role of this variant in disease. Therefore, it has been classified as a Variant of Uncertain Significance.

Illumina Laboratory Services, Illumina
Classification: Uncertain significance for Charcot-Marie-Tooth disease type 4F. Last evaluated: 2017-11-02. Review status: criteria provided, single submitter. Criteria: ICSL Variant Classification Criteria 13 December 2019. Collection method: clinical testing. Allele origin: germline.
Comment: This variant was observed as part of a predisposition screen in an ostensibly healthy population. A literature search was performed for the gene, cDNA change, and amino acid change (where applicable). Publications were found based on this search. However, the evidence from the literature, in combination with allele frequency data from public databases where available, was not sufficient to rule this variant in or out of causing disease. Therefore, this variant is classified as a variant of unknown significance.

Literature cited by the submitters: PubMed 25614874 (cited by Illumina Laboratory Services, Illumina).

NM_181882.3(PRX):c.1547G>A (p.Arg516Gln)

Gene: PRX (periaxin; minus strand). Cytogenetic location: 19q13.2.
Variant type: single nucleotide variant.
Coding change: c.1547G>A on transcript NM_181882.3 (MANE Select); coding-DNA position 1547, G replaced by A.
Protein change: p.Arg516Gln; replaces arginine 516 with glutamine.
Molecular consequence: missense variant. On other transcripts: 3 prime UTR variant (1).
Genome position (GRCh38, 1-based): chr19:40,396,805, C>T on the plus strand (G>A on the coding strand, the complement: PRX is on the minus strand). VCF-style: chr19-40396805-C-T. GRCh37 (hg19) VCF-style: chr19-40902712-C-T.
Other names: c.*1752G>A (NM_020956.2); short protein forms R516Q.
Identifiers: ClinVar variation 835178 (VCV000835178.9), dbSNP rs1035002145, ClinGen allele CA308420571.